The following is an entry in ClinVar:

NM_001130004.2(ACTN1):c.2279G>A (p.Arg760Gln)

Gene: ACTN1 (actinin alpha 1; minus strand). Cytogenetic location: 14q24.1.
Variant type: single nucleotide variant.
Coding change: c.2279G>A on transcript NM_001130004.2 (MANE Select); coding-DNA position 2279, G replaced by A.
Protein change: p.Arg760Gln; replaces arginine 760 with glutamine.
Molecular consequence: missense variant.
Genome position (GRCh38, 1-based): chr14:68,879,963, C>T on the plus strand (G>A on the coding strand, the complement: ACTN1 is on the minus strand). VCF-style: chr14-68879963-C-T. GRCh37 (hg19) VCF-style: chr14-69346680-C-T.
Other names: c.2096G>A, p.Arg699Gln (NM_001424027.1, NM_001424029.1, NM_001424019.1 and 2 more transcripts); c.2084G>A, p.Arg695Gln (NM_001424028.1, NM_001424026.1, NM_001411036.1); c.1454G>A, p.Arg485Gln (NM_001424030.1); c.2276G>A, p.Arg759Gln (NM_001424017.1); c.2240G>A, p.Arg747Gln (NM_001424018.1); c.2216G>A, p.Arg739Gln (NM_001424020.1, NM_001424022.1); c.2210G>A, p.Arg737Gln (NM_001424021.1); c.2279G>A, p.Arg760Gln (NM_001424023.1, NM_001102.4, NM_001130005.2 and 2 more transcripts); and 3 more; short protein forms R485Q, R695Q, R699Q, R737Q, R739Q, R747Q, R759Q, R760Q.
Identifiers: ClinVar variation 2644343 (VCV002644343.24), dbSNP rs757704267, ClinGen allele CA7242140.

ClinVar aggregate classification (germline): Uncertain significance (1 of 4 stars; one submission).

Allele frequency attached by ClinVar (database versions not stated): TOPMed below 0.00001; ExAC 0.00001.
gnomAD v4.1: 4 of 1,614,002 alleles (0.00025%); highest among the groups gnomAD compares: Non-Finnish European, 0.00034%; no homozygotes.

Submission:

CeGaT Center for Human Genetics Tuebingen
Classification: Uncertain significance. Last evaluated: 2023-05-01. Review status: criteria provided, single submitter. Criteria: CeGaT Center For Human Genetics Tuebingen Variant Classification Criteria Version 2. Collection method: clinical testing. Allele origin: germline. Affected: yes. Observed: 1 variant allele.
Comment: ACTN1: PM2, PP2